The following is an entry in ClinVar:

NM_001211.6(BUB1B):c.2456T>C (p.Phe819Ser)

Gene: BUB1B (BUB1 mitotic checkpoint serine/threonine kinase B; plus strand). Cytogenetic location: 15q15.1.
Variant type: single nucleotide variant.
Coding change: c.2456T>C on transcript NM_001211.6 (MANE Select); coding-DNA position 2456, T replaced by C.
Protein change: p.Phe819Ser; replaces phenylalanine 819 with serine.
Molecular consequence: missense variant.
Genome position (GRCh38, 1-based): chr15:40,212,569, T>C. VCF-style: chr15-40212569-T-C. GRCh37 (hg19) VCF-style: chr15-40504770-T-C.
Other names: short protein forms F819S.
Identifiers: ClinVar variation 3483239 (VCV003483239.1).

ClinVar aggregate classification (germline): Uncertain significance (1 of 4 stars; one submission).

Conditions:
Inborn genetic diseases. Identifiers: MedGen C0950123, MeSH D030342.

gnomAD v4.1: 3 of 1,613,312 alleles (0.00019%); highest among the groups gnomAD compares: Non-Finnish European, 0.00017%; no homozygotes.

Submission:

Ambry Genetics
Classification: Uncertain significance for Inborn genetic diseases. Last evaluated: 2024-11-20. Review status: criteria provided, single submitter. Criteria: Ambry Variant Classification Scheme 2023. Collection method: clinical testing. Allele origin: germline.
Comment: The p.F819S variant (also known as c.2456T>C), located in coding exon 19 of the BUB1B gene, results from a T to C substitution at nucleotide position 2456. The phenylalanine at codon 819 is replaced by serine, an amino acid with highly dissimilar properties. This amino acid position is conserved. In addition, this alteration is predicted to be tolerated by in silico analysis. Based on the available evidence, the clinical significance of this variant remains unclear.